The following is an entry in ClinVar:

ClinVar aggregate classification (germline): Uncertain significance (1 of 4 stars; one submission).

Conditions:
Atrial septal defect 5 (ASD5). Identifiers: Orphanet 1478, MedGen C2748552, MONDO:0013011, OMIM 612794.
Dilated cardiomyopathy 1R (CMD1R). Identifiers: Orphanet 154, Orphanet 54260, MedGen C3150681, MONDO:0013261, OMIM 613424.
Hypertrophic cardiomyopathy 11. Also called: ACTC1-Related Familial Hypertrophic Cardiomyopathy. Identifiers: MedGen C2677506, MONDO:0012799, OMIM 612098.

Submission:

Labcorp Genetics (formerly Invitae), Labcorp
Classification: Uncertain significance for Dilated cardiomyopathy 1R; Hypertrophic cardiomyopathy 11; Atrial septal defect 5. Last evaluated: 2025-03-04. Review status: criteria provided, single submitter. Criteria: Invitae Variant Classification Sherloc (09022015). Collection method: clinical testing. Allele origin: germline.
Comment: This sequence change falls in intron 5 of the ACTC1 gene. It does not directly change the encoded amino acid sequence of the ACTC1 protein. This variant is not present in population databases (gnomAD no frequency). This variant has not been reported in the literature in individuals affected with ACTC1-related conditions. Algorithms developed to predict the effect of sequence changes on RNA splicing suggest that this variant may disrupt the consensus splice site. In summary, the available evidence is currently insufficient to determine the role of this variant in disease. Therefore, it has been classified as a Variant of Uncertain Significance.

NM_005159.5(ACTC1):c.809-11C>G

Genes: ACTC1 (actin alpha cardiac muscle 1; minus strand), GJD2-DT (GJD2 divergent transcript; plus strand). Cytogenetic location: 15q14.
Variant type: single nucleotide variant.
Coding change: c.809-11C>G on transcript NM_005159.5 (MANE Select); 11 bases into the intron before coding-DNA position 809, C replaced by G.
Molecular consequence: intron variant.
Genome position (GRCh38, 1-based): chr15:34,791,306, G>C on the plus strand (C>G on the coding strand, the complement: ACTC1 is on the minus strand). VCF-style: chr15-34791306-G-C. GRCh37 (hg19) VCF-style: chr15-35083507-G-C.
Other names: c.809-11C>G (NM_001406483.1, NM_001406482.1); c.368-11C>G (NM_001406485.1); c.674-11C>G (NM_001406484.1).
Identifiers: ClinVar variation 4787681 (VCV004787681.1).
Genomic context (GRCh38, chr15:34,791,306, plus strand): 5'-CTTCATGATGCTATTGTAAGTTGTTTCATGGATGCCAGCAGATTCCATACCTGGGAACGA[G>C]TCACACACACACACACACACACACACACACACACACACACACACACATCACAGTGCATTC-3'